The following is an entry in ClinVar:

GRCh37/hg19 22q13.2-13.33(chr22:42955616-51183840)x1

Genes: A4GALT (alpha 1,4-galactosyltransferase (P1PK blood group); minus strand), ACR (acrosin; plus strand), ADM2 (adrenomedullin 2; plus strand), ALG12 (ALG12 alpha-1,6-mannosyltransferase; minus strand), ARFGAP3 (ARF GTPase activating protein 3; minus strand) and 80 more. Cytogenetic location: 22q13.2-13.33.
Variant type: copy number loss.
Change: copy number 1 (one copy instead of two) of chr22:42,955,616-51,183,840 (8.23 Mb, GRCh37 coordinates, 1-based), cytogenetic band 22q13.2-13.33.
Identifiers: ClinVar variation 565054 (VCV000565054.2).

ClinVar aggregate classification (germline): Pathogenic (0 of 4 stars; one submission).

Submission:

Quest Diagnostics Nichols Institute San Juan Capistrano
Classification: Pathogenic. Last evaluated: 2021-03-01. Review status: no assertion criteria provided. Collection method: clinical testing. Allele origin: germline.
Comment: Deletions of chromosome 22q13.3, including SHANK3, are associated with Phelan-McDermid syndrome (PHMDS; 22q13.3 deletion syndrome) (OMIM #606232). The common clinical features include neonatal hypotonia, global developmental delay, absent or severely delayed speech, moderate to profound intellectual disability, autism spectrum disorder, normal to accelerated growth, and minor facial dysmorphism. Deletion sizes of chromosome 22q13.3 are highly variable ranging from 0.22 to 9 Mb with no common breakpoints. The SHANK3 (SH3 and multiple ankyrin repeat domains protein 3; previously known as PROSAP2) gene has been deleted in all reported cases with Phelan-McDermid syndrome (Phelan K, Rogers RC. Phelan-McDermid Syndrome. 2005 May 11 [GeneReviews [Internet]. Available from an online resource.; Phelan K and McDermid HE. The 22q13.3 Deletion Syndrome (Phelan-McDermid Syndrome). Mol Syndromol. 2012;2(3-5):186-201).